The following is an entry in ClinVar:

NM_000520.6(HEXA):c.197A>G (p.Gln66Arg)

Gene: HEXA (hexosaminidase subunit alpha; minus strand). Cytogenetic location: 15q23.
Variant type: single nucleotide variant.
Coding change: c.197A>G on transcript NM_000520.6 (MANE Select); coding-DNA position 197, A replaced by G.
Protein change: p.Gln66Arg; replaces glutamine 66 with arginine.
Molecular consequence: missense variant. On other transcripts: non-coding transcript variant (1).
Genome position (GRCh38, 1-based): chr15:72,375,776, T>C on the plus strand (A>G on the coding strand, the complement: HEXA is on the minus strand). VCF-style: chr15-72375776-T-C. GRCh37 (hg19) VCF-style: chr15-72668117-T-C.
Other names: c.197A>G, p.Gln66Arg (NM_001318825.2); short protein forms Q66R.
Identifiers: ClinVar variation 1062447 (VCV001062447.8), dbSNP rs753442808, ClinGen allele CA7645091.
Genomic context (GRCh38, chr15:72,375,776, plus strand): 5'-TCACCTGTGAGGTAAGGACGGGGCCAAGACCCGGAACCGAAAAGCAGGTCACGATAGCGC[T>C]GGAAGGCCTCGTCGAGGACTGAGCAGCCGGGCTGCGCGGCCGAGCTGACATCGTACTGGA-3'
Protein context (NP_000511.2, residues 56-76): PGCSVLDEAF[Gln66Arg]RYRDLLFGSG

ClinVar aggregate classification (germline): Uncertain significance. Review status: criteria provided, single submitter (1 of 4 stars). 2 submissions from 2 submitters: Uncertain significance (1). 1 of the submissions does not count toward it. Last evaluated 2021-10-04.

Conditions:
Tay-Sachs disease (TSD). Also called: HEXA DEFICIENCY; HEXA Disorders; GM2 gangliosidosis, type 1; Hexosaminidase alpha-subunit deficiency (variant B); Sphingolipidosis, Tay-Sachs; Hexosaminidase A Deficiency. Identifiers: Orphanet 845, MedGen C0039373, MONDO:0010100, OMIM 272800.

Allele frequency attached by ClinVar (database versions not stated): gnomAD exomes 0.00003 and 0.00004; ExAC 0.00005; gnomAD 0.00001.
gnomAD v4.1: 43 of 1,614,026 alleles (0.0027%); highest among the groups gnomAD compares: South Asian, 0.035%; no homozygotes.

Submissions (2):

Labcorp Genetics (formerly Invitae), Labcorp
Classification: Uncertain significance for Tay-Sachs disease. Last evaluated: 2021-10-04. Review status: criteria provided, single submitter. Criteria: Invitae Variant Classification Sherloc (09022015). Collection method: clinical testing. Allele origin: germline.
Comment: This sequence change replaces glutamine with arginine at codon 66 of the HEXA protein (p.Gln66Arg). The glutamine residue is weakly conserved and there is a small physicochemical difference between glutamine and arginine. This variant is present in population databases (rs753442808, ExAC 0.02%). This variant has not been reported in the literature in individuals affected with HEXA-related conditions. Algorithms developed to predict the effect of missense changes on protein structure and function output the following: SIFT: "Tolerated"; PolyPhen-2: "Benign"; Align-GVGD: "Class C0". The arginine amino acid residue is found in multiple mammalian species, which suggests that this missense change does not adversely affect protein function. In summary, the available evidence is currently insufficient to determine the role of this variant in disease. Therefore, it has been classified as a Variant of Uncertain Significance.

Natera, Inc.
Classification: Uncertain significance for Tay-Sachs disease. Last evaluated: 2018-06-26. Review status: no assertion criteria provided. Collection method: clinical testing. Allele origin: germline. Not counted in ClinVar's aggregate classification.